The following is an entry in ClinVar:

NM_003072.5(SMARCA4):c.1012C>A (p.Gln338Lys)

Gene: SMARCA4 (SWI/SNF related BAF chromatin remodeling complex subunit ATPase 4; plus strand). Cytogenetic location: 19p13.2.
Variant type: single nucleotide variant.
Coding change: c.1012C>A on transcript NM_003072.5 (MANE Select); coding-DNA position 1012, C replaced by A.
Protein change: p.Gln338Lys; replaces glutamine 338 with lysine.
Molecular consequence: missense variant. On other transcripts: non-coding transcript variant (1).
Genome position (GRCh38, 1-based): chr19:10,987,818, C>A. VCF-style: chr19-10987818-C-A. GRCh37 (hg19) VCF-style: chr19-11098494-C-A.
Other names: c.1012C>A, p.Gln338Lys (NM_001128844.3, NM_001128845.2, NM_001128846.2 and 6 more transcripts); short protein forms Q338K.
Identifiers: ClinVar variation 3233061 (VCV003233061.1), dbSNP rs2145819298, ClinGen allele CA404058630.

ClinVar aggregate classification (germline): Uncertain significance (1 of 4 stars; one submission).

Conditions:
Hereditary cancer-predisposing syndrome. Also called: Neoplastic Syndromes, Hereditary; Tumor predisposition; Hereditary neoplastic syndrome; Hereditary Cancer Syndrome. Identifiers: Orphanet 140162, MedGen C0027672, MeSH D009386, MONDO:0015356.

Submission:

Ambry Genetics
Classification: Uncertain significance for Hereditary cancer-predisposing syndrome. Last evaluated: 2024-01-31. Review status: criteria provided, single submitter. Criteria: Ambry Variant Classification Scheme 2023. Collection method: clinical testing. Allele origin: germline.
Comment: The p.Q338K variant (also known as c.1012C>A), located in coding exon 5 of the SMARCA4 gene, results from a C to A substitution at nucleotide position 1012. The glutamine at codon 338 is replaced by lysine, an amino acid with similar properties. This amino acid position is highly conserved in available vertebrate species. In addition, the in silico prediction for this alteration is inconclusive. Based on the available evidence, the clinical significance of this alteration remains unclear.